The following is an entry in ClinVar:

NM_001001548.3(CD36):c.802TCT[1] (p.Ser269del)

Gene: CD36 (CD36 molecule (CD36 blood group); plus strand). Cytogenetic location: 7q21.11.
Variant type: Microsatellite.
Coding change: c.802TCT[1] on transcript NM_001001548.3 (MANE Select); one copy of the 3-base unit TCT starting at c.802; the reference has two copies in a row; one copy, 3 bases deleted.
Protein change: p.Ser269del; deletes serine 269.
Molecular consequence: non-coding transcript variant (on NR_110501.1). On other transcripts: intron variant (1).
Genome position (GRCh38, 1-based): chr7:80,670,009-80,670,011, TCT deleted; deleting any 3 consecutive bases within chr7:80,670,005-80,670,011 gives the same sequence; the position shown is the placement nearest the transcript's 3' end. VCF-style (leftmost placement, unchanged base first): chr7-80670004-TTTC-T. GRCh37 (hg19) VCF-style: chr7-80299320-TTTC-T.
Other names: c.805_807delTCT (NM_001001547.3); c.802TCT[1], p.Ser269del (NM_000072.3, NM_001001547.3, NM_001127443.2 and 5 more transcripts); c.622TCT[1], p.Ser209del (NM_001289909.1); c.574TCT[1], p.Ser193del (NM_001289911.2); c.700TCT[1], p.Ser235del (NM_001371079.1); c.337TCT[1], p.Ser114del (NM_001371080.1, NM_001371081.1); c.702-968_702-966del (NM_001289908.1); short protein forms S114del, S193del, S209del, S235del, S269del.
Identifiers: ClinVar variation 4687814 (VCV004687814.1).

ClinVar aggregate classification (germline): Uncertain significance (1 of 4 stars; one submission).

Submission:

Women's Health and Genetics/Laboratory Corporation of America, LabCorp
Classification: Uncertain significance. Last evaluated: 2025-10-23. Review status: criteria provided, single submitter. Criteria: LabCorp Variant Classification Summary - May 2015. Collection method: clinical testing. Allele origin: germline.
Comment: Variant summary: CD36 c.805_807delTCT (p.Ser269del) results in an in-frame deletion that is predicted to remove one amino acid from the encoded protein. The variant was absent in 250882 control chromosomes (gnomAD). The available data on variant occurrences in the general population are insufficient to allow any conclusion about variant significance. To our knowledge, no occurrence of c.805_807delTCT in individuals affected with CD36-related conditions and no experimental evidence demonstrating its impact on protein function have been reported. No submitters have cited clinical-significance assessments for this variant to ClinVar. Based on the evidence outlined above, the variant was classified as uncertain significance.